The following is an entry in ClinVar:

ClinVar aggregate classification (germline): Pathogenic. Review status: criteria provided, single submitter (1 of 4 stars). 2 submissions from 2 submitters: Pathogenic (1). 1 of the submissions does not count toward it. Last evaluated 2022-03-09.

Conditions:
Rothmund-Thomson syndrome type 3. Also called: Short stature with microcephaly and distinctive facies. Identifiers: MedGen C4014339, MONDO:0014347, OMIM 615789.

Submissions (2):

Hacettepe Pediatric Genetics Laboratory, Hacettepe University
Classification: Pathogenic for Rothmund-Thomson syndrome type 3. Last evaluated: 2022-03-09. Review status: criteria provided, single submitter. Criteria: ACMG Guidelines, 2015. Collection method: clinical testing. Allele origin: germline. Inheritance: Autosomal recessive inheritance. Affected: no and yes. Observed: 2 variant alleles, 2 heterozygotes, 1 homozygote.
Comment: This variant has not been reported in 1000 Genomes Project database and there is only one heterozygous individual in gnomAD data (allele frequency= 0.0000063). This change was classified as “pathogenic” according to the ACMG guidelines.

OMIM
Classification: Pathogenic for ROTHMUND-THOMSON SYNDROME, TYPE 3. Last evaluated: 2024-04-29. Review status: no assertion criteria provided. Collection method: literature only. Allele origin: germline. Not counted in ClinVar's aggregate classification.

Literature cited by the submitters: PubMed 36630262 (cited by OMIM).

NM_014171.6(CRIPT):c.7_8del (p.Cys3fs)

Gene: CRIPT (CXXC repeat containing interactor of PDZ3 domain; plus strand). Cytogenetic location: 2p21.
Variant type: Microsatellite.
Coding change: c.7_8del on transcript NM_014171.6 (MANE Select); coding-DNA positions 7 to 8, 2 bases deleted (TG; older notation c.7_8delTG).
Protein change: p.Cys3fs; shifts the reading frame from cysteine 3.
Molecular consequence: frameshift variant.
Genome position (GRCh38, 1-based): chr2:46,617,289-46,617,290, TG deleted; deleting any 2 consecutive bases within chr2:46,617,286-46,617,290 gives the same sequence; the c. name uses the placement nearest the transcript's 3' end. VCF-style (leftmost placement, unchanged base first): chr2-46617285-GGT-G. GRCh37 (hg19) VCF-style: chr2-46844424-GGT-G.
Other names: p.Cys3Argfs*; short protein forms C3fs.
Identifiers: ClinVar variation 1343340 (VCV001343340.4), dbSNP rs1558716043, ClinGen allele CA532311056.